The following is an entry in ClinVar:

ClinVar aggregate classification (germline): Conflicting classifications of pathogenicity. Review status: criteria provided, conflicting classifications (1 of 4 stars). 9 submissions from 7 submitters: Likely pathogenic (1); Benign (3); Likely benign (4). 1 of the submissions does not count toward it. Last evaluated 2026-01-11.

Conditions:
Pyropoikilocytosis, hereditary. Also called: Pyropoikilocytosis. Identifiers: MedGen C0520739, MONDO:0009948, OMIM 266140, HP:0004839. Disease mechanism: loss of function.
Hereditary spherocytosis type 3. Also called: SPTA1-Related Spherocytosis; Spherocytosis type 3. Identifiers: Orphanet 822, MedGen C2678338, MONDO:0010053, OMIM 270970.
Elliptocytosis 2 (EL2). Also called: ELLIPTOCYTOSIS, RHESUS-UNLINKED TYPE. Identifiers: Orphanet 288, MedGen C1851741, MONDO:0007533, OMIM 130600.

Allele frequency attached by ClinVar (database versions not stated): ExAC 0.00432; 1000 Genomes Project 0.01338; 1000 Genomes Project 30x 0.01405; gnomAD 0.01431; TOPMed 0.01587.
gnomAD v4.1: 4,543 of 1,614,022 alleles (0.28%); highest among the groups gnomAD compares: African/African-American, 5.2%; 97 homozygotes.

Submissions (9):

Labcorp Genetics (formerly Invitae), Labcorp
Classification: Benign. Last evaluated: 2026-01-11. Review status: criteria provided, single submitter. Criteria: Invitae Variant Classification Sherloc (09022015). Collection method: clinical testing. Allele origin: germline.

Mayo Clinic Laboratories, Mayo Clinic
Classification: Likely pathogenic. Last evaluated: 2025-04-30. Review status: criteria provided, single submitter. Criteria: ACMG Guidelines, 2015. Collection method: clinical testing. Allele origin: germline. Observed: 45 variant alleles.
Comment: Spectrin Jendouba is a missense alteration in alpha spectrin that has long been associated with elliptocytosis. In our opinion, Spectrin Jendouba erroneously is classified as benign due to automated filters and strict cut-offs to classify alterations with MAF >5% as benign because this alteration has a high MAF in some subpopulations in population databases. For hereditary elliptocytosis a higher than 5% MAF may be acceptable, particularly in persons with ancestry from the malaria belt. Because it usually causes little other clinical manifestations, HE is under diagnosed, but is estimated to be 1 in 2000 – 1 in 4000 worldwide and up to 1 in 50 in African/African American sub-populations (UpToDate). Therefore, we suggest an exception from BA1 for SPTA1 gene based on the likely enrichment of disorder-causing alleles in ancestral populations where malaria is endemic. There is heterozygous advantage, particularly in genes affecting RBCs (Lelliott 2015 PMID 26215182), similar to what is suggested by the Hemoglobinopathy Variant Curation Expert Panel (Kountouris 2022 PMID 34510646). In regards to the specific pathogenicity of Spectrin Jendouba, there are numerous reports in the literature of its association with elliptocytosis and other RBC membranopathies if co-inherited with pathogenic alterations (Niss 2016 PMID 27667160, Alloisio 1992 PMID: 1638030, Kim 2021 PMID 33556202, Van Vuren 2019 PMID: 31723846). Most hereditary elliptocytosis variants are found in the C-terminal of helices 3. (Alloisio 1992 PMID: 1638030). This alteration occurs in helix 3, distant from the spectrin head-to-head self-association site resulting in a mild defect in spectrin dimer self-association. Our internal data including peripheral blood smear review showed all instances of Spectrin Jendouba presented with some red blood cell abnormality (mainly elliptocytes, however, when found with alphaLELY, also poikilocytes, spherocytes). Overall, based on the available evidence, we classify this variant as likely pathogenic.

ARUP Laboratories, Molecular Genetics and Genomics, ARUP Laboratories
Classification: Benign. Last evaluated: 2024-09-06. Review status: criteria provided, single submitter. Criteria: ARUP Molecular Germline Variant Investigation Process 2024. Collection method: clinical testing. Allele origin: germline.

Laboratory for Molecular Medicine, Mass General Brigham Personalized Medicine
Classification: Likely benign. Last evaluated: 2024-01-05. Review status: criteria provided, single submitter. Criteria: ACMG Guidelines, 2015. Collection method: clinical testing. Allele origin: germline.
Comment: The p.Asp791Glu variant in SPTA1 is classified as likely benign because it has been identified in 4.97% (2060/41414) of African chromosomes by gnomAD (v.3.1.2), including 51 homozygotes. In addition, computational prediction tools predict that this variant does not impact the protein. ACMG/AMP Criteria applied: BS1, BP4.

Department of Pathology and Laboratory Medicine, Sinai Health System
Classification: Benign for Elliptocytosis 2; Pyropoikilocytosis, hereditary; Hereditary spherocytosis type 3. Last evaluated: 2023-04-03. Review status: criteria provided, single submitter. Criteria: ACMG Guidelines, 2015. Collection method: research. Allele origin: germline.

Illumina Laboratory Services, Illumina
Classification: Likely benign for Pyropoikilocytosis, hereditary. Last evaluated: 2017-04-27. Review status: criteria provided, single submitter. Criteria: ICSL Variant Classification Criteria 13 December 2019. Collection method: clinical testing. Allele origin: germline.
Comment: This variant was observed as part of a predisposition screen in an ostensibly healthy population. A literature search was performed for the gene, cDNA change, and amino acid change (where applicable). No publications were found based on this search. Allele frequency data from public databases allowed determination this variant is unlikely to cause disease. Therefore, this variant is classified as likely benign.

Illumina Laboratory Services, Illumina
Classification: Likely benign for Hereditary spherocytosis type 3. Last evaluated: 2017-04-27. Review status: criteria provided, single submitter. Criteria: ICSL Variant Classification Criteria 13 December 2019. Collection method: clinical testing. Allele origin: germline.
Comment: the same text as in the submission from Illumina Laboratory Services, Illumina above.

Illumina Laboratory Services, Illumina
Classification: Likely benign for Elliptocytosis 2. Last evaluated: 2017-04-27. Review status: criteria provided, single submitter. Criteria: ICSL Variant Classification Criteria 13 December 2019. Collection method: clinical testing. Allele origin: germline.
Comment: This variant was observed as part of a predisposition screen in an ostensibly healthy population. A literature search was performed for the gene, cDNA change, and amino acid change (where applicable). Publications were found based on this search. The evidence from the literature, in combination with allele frequency data from public databases where available, was sufficient to determine this variant is unlikely to cause disease. Therefore, this variant is classified as likely benign.

OMIM
Classification: Pathogenic for ELLIPTOCYTOSIS 2. Last evaluated: 1992-08-01. Review status: no assertion criteria provided. Collection method: literature only. Allele origin: germline. Not counted in ClinVar's aggregate classification.

Literature cited by the submitters: PubMed 23241237 (cited by Illumina Laboratory Services, Illumina); PubMed 15071791 (cited by Illumina Laboratory Services, Illumina); PubMed 1638030 (cited by Illumina Laboratory Services, Illumina and OMIM).

NM_003126.4(SPTA1):c.2373C>A (p.Asp791Glu)

Gene: SPTA1 (spectrin alpha, erythrocytic 1; minus strand). Cytogenetic location: 1q23.1.
Variant type: single nucleotide variant.
Coding change: c.2373C>A on transcript NM_003126.4 (MANE Select); coding-DNA position 2373, C replaced by A.
Protein change: p.Asp791Glu; replaces aspartic acid 791 with glutamic acid.
Molecular consequence: missense variant.
Genome position (GRCh38, 1-based): chr1:158,662,793, G>T on the plus strand (C>A on the coding strand, the complement: SPTA1 is on the minus strand). VCF-style: chr1-158662793-G-T. GRCh37 (hg19) VCF-style: chr1-158632583-G-T.
Other names: short protein forms D791E.
Identifiers: ClinVar variation 12859 (VCV000012859.33), dbSNP rs7418956, ClinGen allele CA122762.